The following is an entry in ClinVar:

NM_018723.4(RBFOX1):c.1189T>G (p.Tyr397Asp)

Gene: RBFOX1 (RNA binding fox-1 homolog 1; plus strand). Cytogenetic location: 16p13.3.
Variant type: single nucleotide variant.
Coding change: c.1189T>G on transcript NM_018723.4 (MANE Select); coding-DNA position 1189, T replaced by G.
Protein change: p.Tyr397Asp; replaces tyrosine 397 with aspartic acid.
Molecular consequence: missense variant. On other transcripts: 3 prime UTR variant (20).
Genome position (GRCh38, 1-based): chr16:7,710,740, T>G. VCF-style: chr16-7710740-T-G. GRCh37 (hg19) VCF-style: chr16-7760742-T-G.
Other names: c.*117T>G (NM_001415901.1, NM_001415904.1, NM_001415907.1 and 12 more transcripts); c.1195T>G, p.Tyr399Asp (NM_001415902.1); c.1183T>G, p.Tyr395Asp (NM_001415903.1); c.1171T>G, p.Tyr391Asp (NM_001415905.1, NM_001415906.1); c.1123T>G, p.Tyr375Asp (NM_001415912.1); c.1108T>G, p.Tyr370Asp (NM_001142333.2); c.1189T>G, p.Tyr397Asp (NM_001142334.2); c.1705T>G, p.Tyr569Asp (NM_001415888.1); and 11 more; short protein forms Y366D, Y370D, Y375D, Y391D, Y392D, Y395D, Y397D, Y399D.
Identifiers: ClinVar variation 2580160 (VCV002580160.2), dbSNP rs2510618048, ClinGen allele CA394796282.
Genomic context (GRCh38, chr16:7,710,740, plus strand): 5'-CTCGTTCTTTCTTCATTGCAGGCTAGTATATACCGAGGGGGATACAACCGTTTTGCTCCA[T>G]ACTAAATGACAAAACCATAAAAACCTTCCAATGTGGGGAGAAAGGAAGCTTTCCGAGGCC-3'
Protein context (NP_061193.2, residues 387-397): YRGGYNRFAP[Tyr397Asp]

ClinVar aggregate classification (germline): Likely pathogenic (1 of 4 stars; one submission).

Conditions:
Intellectual disability. Also called: Intellectual functioning disability; intellectual disabilities; Intellectual developmental disorder. Identifiers: MedGen C3714756, MeSH D008607, MONDO:0001071, HP:0001249.

Submission:

Laboratory of genome editing, Research Centre for Medical Genetics
Classification: Likely pathogenic for Intellectual developmental disorder. Last evaluated: 2023-09-20. Review status: criteria provided, single submitter. Criteria: ACMG Guidelines, 2015. Collection method: clinical testing. Allele origin: de novo. Affected: yes. Observed: 1 heterozygote.
Comment: PS2, PM2, PP3

Literature cited by the submitters: PubMed 35887114.